The following is an entry in ClinVar:

NM_017617.5(NOTCH1):c.3148G>A (p.Gly1050Ser)

Gene: NOTCH1 (notch receptor 1; minus strand). Cytogenetic location: 9q34.3.
Variant type: single nucleotide variant.
Coding change: c.3148G>A on transcript NM_017617.5 (MANE Select); coding-DNA position 3148, G replaced by A.
Protein change: p.Gly1050Ser; replaces glycine 1050 with serine.
Molecular consequence: missense variant.
Genome position (GRCh38, 1-based): chr9:136,508,893, C>T on the plus strand (G>A on the coding strand, the complement: NOTCH1 is on the minus strand). VCF-style: chr9-136508893-C-T. GRCh37 (hg19) VCF-style: chr9-139403345-C-T.
Other names: short protein forms G1050S.
Identifiers: ClinVar variation 1728147 (VCV001728147.2), dbSNP rs957620650, ClinGen allele CA201581127.
Genomic context (GRCh38, chr9:136,508,893, plus strand): 5'-CCCCTCCTTCGGGCACCTCTGTGGCCGGCGCACTCACCTGGCAGTTGGGGCCAGTGTAGC[C>T]CTGGGGGCAGGTGCACCTGTAGGAGCCGCAGCCGTCCTGACAGGTGCCGCCATGCAGGCA-3'
Protein context (NP_060087.3, residues 1040-1060): CGSYRCTCPQ[Gly1050Ser]YTGPNCQNLV

ClinVar aggregate classification (germline): Uncertain significance (1 of 4 stars; one submission).

Conditions:
Familial thoracic aortic aneurysm and aortic dissection (TAAD). Also called: Thoracic aortic aneurysms and dissections. Identifiers: Orphanet 91387, MedGen C4707243, MONDO:0019625.

Allele frequency attached by ClinVar (database versions not stated): gnomAD 0.00001; TOPMed 0.00001.
gnomAD v4.1: 8 of 1,547,998 alleles (0.00052%); highest among the groups gnomAD compares: Non-Finnish European, 0.00061%; no homozygotes.

Submission:

Ambry Genetics
Classification: Uncertain significance for Familial thoracic aortic aneurysm and aortic dissection. Last evaluated: 2020-03-13. Review status: criteria provided, single submitter. Criteria: Ambry Variant Classification Scheme 2023. Collection method: clinical testing. Allele origin: germline.
Comment: The p.G1050S variant (also known as c.3148G>A), located in coding exon 19 of the NOTCH1 gene, results from a G to A substitution at nucleotide position 3148. The glycine at codon 1050 is replaced by serine, an amino acid with similar properties. This amino acid position is highly conserved in available vertebrate species. In addition, this alteration is predicted to be deleterious by in silico analysis. Since supporting evidence is limited at this time, the clinical significance of this alteration remains unclear.